The following is an entry in ClinVar:

ClinVar aggregate classification (germline): Uncertain significance. Review status: criteria provided, multiple submitters, no conflicts (2 of 4 stars). 3 submissions from 3 submitters: Uncertain significance (2). 1 of the submissions does not count toward it. Last evaluated 2024-04-24.

Conditions:
Inborn genetic diseases. Identifiers: MedGen C0950123, MeSH D030342.
Usher syndrome type 1B (USH1B). Also called: Usher syndrome type IB. Identifiers: MedGen C1848638, MONDO:0700087.

gnomAD v4.1: 20 of 1,608,700 alleles (0.0012%); highest among the groups gnomAD compares: Non-Finnish European, 0.0016%; no homozygotes.

Submissions (3):

Ambry Genetics
Classification: Uncertain significance for Inborn genetic diseases. Last evaluated: 2024-04-24. Review status: criteria provided, single submitter. Criteria: Ambry Variant Classification Scheme 2023. Collection method: clinical testing. Allele origin: germline.

Labcorp Genetics (formerly Invitae), Labcorp
Classification: Uncertain significance. Last evaluated: 2022-01-06. Review status: criteria provided, single submitter. Criteria: Invitae Variant Classification Sherloc (09022015). Collection method: clinical testing. Allele origin: germline.
Comment: This sequence change replaces serine, which is neutral and polar, with threonine, which is neutral and polar, at codon 1460 of the MYO7A protein (p.Ser1460Thr). This variant is present in population databases (no rsID available, gnomAD 0.0008%). This variant has not been reported in the literature in individuals affected with MYO7A-related conditions. ClinVar contains an entry for this variant (Variation ID: 1046775). Advanced modeling of protein sequence and biophysical properties (such as structural, functional, and spatial information, amino acid conservation, physicochemical variation, residue mobility, and thermodynamic stability) performed at Invitae indicates that this missense variant is not expected to disrupt MYO7A protein function. In summary, the available evidence is currently insufficient to determine the role of this variant in disease. Therefore, it has been classified as a Variant of Uncertain Significance.

Natera, Inc.
Classification: Uncertain significance for Usher syndrome type 1B. Last evaluated: 2021-04-14. Review status: no assertion criteria provided. Collection method: clinical testing. Allele origin: germline. Not counted in ClinVar's aggregate classification.

NM_000260.4(MYO7A):c.4379G>C (p.Ser1460Thr)

Gene: MYO7A (myosin VIIA; plus strand). Cytogenetic location: 11q13.5.
Variant type: single nucleotide variant.
Coding change: c.4379G>C on transcript NM_000260.4 (MANE Select); coding-DNA position 4379, G replaced by C.
Protein change: p.Ser1460Thr; replaces serine 1460 with threonine.
Molecular consequence: missense variant.
Genome position (GRCh38, 1-based): chr11:77,197,536, G>C. VCF-style: chr11-77197536-G-C. GRCh37 (hg19) VCF-style: chr11-76908581-G-C.
Other names: c.4379G>C, p.Ser1460Thr (NM_001127180.2); c.4346G>C, p.Ser1449Thr (NM_001369365.1); c.4379G>C (NM_000260.3); short protein forms S1449T, S1460T.
Identifiers: ClinVar variation 1046775 (VCV001046775.4), dbSNP rs746713762, ClinGen allele CA381950047.